The following is an entry in ClinVar:

NM_000256.3(MYBPC3):c.1899G>A (p.Glu633=)

Gene: MYBPC3 (myosin binding protein C3; minus strand). Cytogenetic location: 11p11.2.
Variant type: single nucleotide variant.
Coding change: c.1899G>A on transcript NM_000256.3 (MANE Select); coding-DNA position 1899, G replaced by A.
Protein change: p.Glu633=; no amino-acid change (glutamic acid 633 retained).
Molecular consequence: synonymous variant.
Genome position (GRCh38, 1-based): chr11:47,341,031, C>T on the plus strand (G>A on the coding strand, the complement: MYBPC3 is on the minus strand). VCF-style: chr11-47341031-C-T. GRCh37 (hg19) VCF-style: chr11-47362582-C-T.
Identifiers: ClinVar variation 921977 (VCV000921977.9), dbSNP rs1206508060, ClinGen allele CA474218116.

ClinVar aggregate classification (germline): Conflicting classifications of pathogenicity. Review status: criteria provided, conflicting classifications (1 of 4 stars). 5 submissions from 5 submitters: Uncertain significance (2); Likely benign (3). Last evaluated 2025-11-06.

Conditions:
Hypertrophic cardiomyopathy 4. Also called: Familial hypertrophic cardiomyopathy 4. Identifiers: MedGen C1861862, MONDO:0007268, OMIM 115197.
Cardiomyopathy (CMYO). Also called: Cardiomyopathies. Identifiers: Orphanet 167848, MedGen C0878544, MONDO:0004994, HP:0001638. Inheritance: Various modes of inheritance.
Cardiovascular phenotype. Identifiers: MedGen CN230736.
Hypertrophic cardiomyopathy. Also called: HYPERTROPHIC MYOCARDIOPATHY. Identifiers: Orphanet 217569, MedGen C0007194, MeSH D002312, MONDO:0005045, HP:0001639.

Allele frequency attached by ClinVar (database versions not stated): gnomAD 0.00001; TOPMed 0.00001.

Submissions (5):

Labcorp Genetics (formerly Invitae), Labcorp
Classification: Likely benign for Hypertrophic cardiomyopathy. Last evaluated: 2025-11-06. Review status: criteria provided, single submitter. Criteria: Invitae Variant Classification Sherloc (09022015). Collection method: clinical testing. Allele origin: germline.

All of Us Research Program, National Institutes of Health
Classification: Likely benign for Hypertrophic cardiomyopathy. Last evaluated: 2023-08-15. Review status: criteria provided, single submitter. Criteria: ACMG Guidelines, 2015. Collection method: clinical testing. Allele origin: germline. Inheritance: Autosomal dominant inheritance. Observed: 2 variant alleles, 2 heterozygotes.
Comment: This study involves interpretation of variants in research participants for the purpose of population health screening. Participant phenotype was not available at the time of variant classification. Additional details can be found in publication PMID: 35346344, PMCID: PMC8962531

Illumina Laboratory Services, Illumina
Classification: Uncertain significance for Hypertrophic cardiomyopathy 4. Last evaluated: 2023-05-12. Review status: criteria provided, single submitter. Criteria: ICSLVariantClassificationCriteria RUGD 01 April 2020. Collection method: clinical testing. Allele origin: unknown.
Comment: The MYBPC3 c.1899G>A (p.Glu633=) synonymous variant occurs in a splice region and computational evidence suggests the variant may impact the gene or gene product. To our knowledge, the variant has not been reported in the peer-reviewed literature. This variant is not observed at a significant frequency in version 2.1.1 or version 3.1.2 of the Genome Aggregation Database. Based on the available evidence, the c.1899G>A (p.Glu633=) variant is classified as a variant of uncertain significance for hypertrophic cardiomyopathy.

Ambry Genetics
Classification: Uncertain significance for Cardiovascular phenotype. Last evaluated: 2023-03-10. Review status: criteria provided, single submitter. Criteria: Ambry Variant Classification Scheme 2023. Collection method: clinical testing. Allele origin: germline.
Comment: The c.1899G>A variant (also known as p.E633E), located in coding exon 20 of the MYBPC3 gene, results from a G to A substitution at nucleotide position 1899. This nucleotide substitution does not change the glutamic acid at codon 633. This nucleotide position is highly conserved in available vertebrate species. In silico splice site analysis predicts that this alteration may result in the creation or strengthening of a novel splice acceptor site. Since supporting evidence is limited at this time, the clinical significance of this alteration remains unclear.

Color Diagnostics, LLC DBA Color Health
Classification: Likely benign for Cardiomyopathy. Last evaluated: 2019-11-20. Review status: criteria provided, single submitter. Criteria: ACMG Guidelines, 2015. Collection method: clinical testing. Allele origin: germline.